The following is an entry in ClinVar:

NM_000257.4(MYH7):c.4598T>C (p.Leu1533Pro)

Genes: MHRT (myosin heavy chain associated RNA transcript; plus strand), MYH7 (myosin heavy chain 7; minus strand). Cytogenetic location: 14q11.2.
Variant type: single nucleotide variant.
Coding change: c.4598T>C on transcript NM_000257.4 (MANE Select); coding-DNA position 4598, T replaced by C.
Protein change: p.Leu1533Pro; replaces leucine 1533 with proline.
Molecular consequence: missense variant.
Genome position (GRCh38, 1-based): chr14:23,416,914, A>G on the plus strand (T>C on the coding strand, the complement: MYH7 is on the minus strand). VCF-style: chr14-23416914-A-G. GRCh37 (hg19) VCF-style: chr14-23886123-A-G.
Other names: c.4598T>C, p.Leu1533Pro (NM_001407004.1); short protein forms L1533P.
Identifiers: ClinVar variation 2780272 (VCV002780272.3), dbSNP rs2502248530, ClinGen allele CA389038059.
Genomic context (GRCh38, chr14:23,416,914, plus strand): 5'-GCACACACACACACCTCGGCCTCCTCCAGGGCTGACTGCAGCTCCATCTTCTCGGCCTCC[A>G]GCTGCTTTCGGACCTTCTCCAGCTCATGGATAGTCTTTCCGCTGGAACCCAACTGCTCAG-3'
Protein context (NP_000248.2, residues 1523-1543): IHELEKVRKQ[Leu1533Pro]EAEKMELQSA

ClinVar aggregate classification (germline): Pathogenic (1 of 4 stars; one submission).

Conditions:
Hypertrophic cardiomyopathy. Also called: HYPERTROPHIC MYOCARDIOPATHY. Identifiers: Orphanet 217569, MedGen C0007194, MeSH D002312, MONDO:0005045, HP:0001639.

Submission:

Labcorp Genetics (formerly Invitae), Labcorp
Classification: Pathogenic for Hypertrophic cardiomyopathy. Last evaluated: 2026-01-31. Review status: criteria provided, single submitter. Criteria: Invitae Variant Classification Sherloc (09022015). Collection method: clinical testing. Allele origin: germline.
Comment: This sequence change replaces leucine, which is neutral and non-polar, with proline, which is neutral and non-polar, at codon 1533 of the MYH7 protein (p.Leu1533Pro). This variant is not present in population databases (gnomAD no frequency). This missense change has been observed in individual(s) with distal myopathy (PMID: 34103343). In at least one individual the variant was observed to be de novo. ClinVar contains an entry for this variant (Variation ID: 2780272). Invitae Evidence Modeling of protein sequence and biophysical properties (such as structural, functional, and spatial information, amino acid conservation, physicochemical variation, residue mobility, and thermodynamic stability) indicates that this missense variant is expected to disrupt MYH7 protein function with a positive predictive value of 95%. For these reasons, this variant has been classified as Pathogenic.

Literature cited by the submitters: PubMed 34103343.